The following is an entry in ClinVar:

NM_002103.5(GYS1):c.1990C>T (p.Arg664Trp)

Gene: GYS1 (glycogen synthase 1; minus strand). Cytogenetic location: 19q13.33.
Variant type: single nucleotide variant.
Coding change: c.1990C>T on transcript NM_002103.5 (MANE Select); coding-DNA position 1990, C replaced by T.
Protein change: p.Arg664Trp; replaces arginine 664 with tryptophan.
Molecular consequence: missense variant. On other transcripts: non-coding transcript variant (1).
Genome position (GRCh38, 1-based): chr19:48,969,512, G>A on the plus strand (C>T on the coding strand, the complement: GYS1 is on the minus strand). VCF-style: chr19-48969512-G-A. GRCh37 (hg19) VCF-style: chr19-49472769-G-A.
Other names: c.1798C>T, p.Arg600Trp (NM_001161587.2); short protein forms R664W, R600W.
Identifiers: ClinVar variation 329806 (VCV000329806.12), dbSNP rs886054568, ClinGen allele CA10648941.
Genomic context (GRCh38, chr19:48,969,512, plus strand): 5'-CCTTGGCGGCCTCCTCGTCCTCATCGTAGCGCTCGCCGTCTTCCTCCAGCGGCCCGTTCC[G>A]GGGATCCTCCTCGTCCTCACTCTGGTGCGGGCTGGAGTGTCGTGACAGCGAGGGCGACGG-3'
Protein context (NP_002094.2, residues 654-674): PHQSEDEEDP[Arg664Trp]NGPLEEDGER

ClinVar aggregate classification (germline): Uncertain significance. Review status: criteria provided, multiple submitters, no conflicts (2 of 4 stars). 2 submissions from 2 submitters: Uncertain significance (2). Last evaluated 2021-02-22.

Conditions:
Glycogen storage disease due to muscle and heart glycogen synthase deficiency. Also called: GSD 0b; MUSCLE GLYCOGEN SYNTHASE DEFICIENCY. Identifiers: Orphanet 137625, MedGen C1969054, MONDO:0012693, OMIM 611556.

Allele frequency attached by ClinVar (database versions not stated): gnomAD exomes 0.00001.
gnomAD v4.1: 7 of 1,543,998 alleles (0.00045%); highest among the groups gnomAD compares: Non-Finnish European, 0.00061%; no homozygotes.

Submissions (2):

Labcorp Genetics (formerly Invitae), Labcorp
Classification: Uncertain significance for Glycogen storage disease due to muscle and heart glycogen synthase deficiency. Last evaluated: 2021-02-22. Review status: criteria provided, single submitter. Criteria: Invitae Variant Classification Sherloc (09022015). Collection method: clinical testing. Allele origin: germline.
Comment: In summary, the available evidence is currently insufficient to determine the role of this variant in disease. Therefore, it has been classified as a Variant of Uncertain Significance. Algorithms developed to predict the effect of missense changes on protein structure and function are either unavailable or do not agree on the potential impact of this missense change (SIFT: "Deleterious"; PolyPhen-2: "Possibly Damaging"; Align-GVGD: "Class C0"). This variant has not been reported in the literature in individuals with GYS1-related conditions. ClinVar contains an entry for this variant (Variation ID: 329806). This variant is not present in population databases (ExAC no frequency). This sequence change replaces arginine with tryptophan at codon 664 of the GYS1 protein (p.Arg664Trp). The arginine residue is moderately conserved and there is a moderate physicochemical difference between arginine and tryptophan.

Illumina Laboratory Services, Illumina
Classification: Uncertain significance for Glycogen storage disease due to muscle and heart glycogen synthase deficiency. Last evaluated: 2018-01-12. Review status: criteria provided, single submitter. Criteria: ICSL Variant Classification Criteria 13 December 2019. Collection method: clinical testing. Allele origin: germline.